The following is an entry in ClinVar:

ClinVar aggregate classification (germline): Pathogenic/Likely pathogenic. Review status: criteria provided, multiple submitters, no conflicts (2 of 4 stars). 9 submissions from 9 submitters: Pathogenic (6); Likely pathogenic (1). 2 of the submissions do not count toward it. Last evaluated 2025-12-15.

Conditions:
CLDN19-related disorder. Also called: CLDN19-related condition.
Renal hypomagnesemia 5 with ocular involvement. Also called: HYPOMAGNESEMIA 5, RENAL, WITH OR WITHOUT OCULAR INVOLVEMENT; FHHNC WITH SEVERE OCULAR INVOLVEMENT; HYPOMAGNESEMIA, FAMILIAL, WITH HYPERCALCIURIA, NEPHROCALCINOSIS, AND SEVERE OCULAR INVOLVEMENT; MACULAR COLOBOMA, BILATERAL, WITH HYPERCALCIURIA. Identifiers: Orphanet 2196, MedGen C4721891, MONDO:0009548, OMIM 248190.

Allele frequency attached by ClinVar (database versions not stated): gnomAD 0.00003; TOPMed 0.00005; ExAC 0.00008; gnomAD exomes 0.00009; 1000 Genomes Project 0.00020; 1000 Genomes Project 30x 0.00031.
gnomAD v4.1: 37 of 1,577,704 alleles (0.0023%); highest among the groups gnomAD compares: Admixed American, 0.038%; no homozygotes.

Submissions (9):

Labcorp Genetics (formerly Invitae), Labcorp
Classification: Pathogenic. Last evaluated: 2025-12-15. Review status: criteria provided, single submitter. Criteria: Invitae Variant Classification Sherloc (09022015). Collection method: clinical testing. Allele origin: germline.
Comment: This sequence change replaces glycine, which is neutral and non-polar, with aspartic acid, which is acidic and polar, at codon 20 of the CLDN19 protein (p.Gly20Asp). The frequency data for this variant in the population databases is considered unreliable, as metrics indicate poor data quality at this position in the gnomAD database. This missense change has been observed in individuals with familial hypomagnesemia with hypercalciuria and nephrocalcinosis (PMID: 17033971, 23301036, 25366522, 25410674, 27530400). It has also been observed to segregate with disease in related individuals. ClinVar contains an entry for this variant (Variation ID: 1361). An algorithm developed to predict the effect of missense changes on protein structure and function (PolyPhen-2) suggests that this variant is likely to be disruptive. Experimental studies have shown that this missense change affects CLDN19 function (PMID: 17033971, 18188451). For these reasons, this variant has been classified as Pathogenic.

PreventionGenetics, part of Exact Sciences
Classification: Pathogenic for CLDN19-related condition. Last evaluated: 2024-12-07. Review status: criteria provided, single submitter. Criteria: ACMG Guidelines, 2015. Collection method: clinical testing. Allele origin: germline.
Comment: The CLDN19 c.59G>A variant is predicted to result in the amino acid substitution p.Gly20Asp. This variant has been reported in the homozygous or compound heterozygous state in individuals with familial hypomagnesemia, hypercalciuria, and nephrocalcinosis with ocular abnormalities (see for example, Konrad et al. 2006. PubMed ID: 17033971; Almeida et al. 2014. PubMed ID: 25317625; Martin-Nuñez et al. 2015. PubMed ID: 25410674). Functional studies suggest this variant impairs protein function (Hou et al. 2008. PubMed ID: 18188451; Wang et al. 2019. PubMed ID: 30937396). This variant is reported in 0.045% of alleles in individuals of Latino descent in gnomAD. This variant is interpreted as pathogenic.

3billion
Classification: Pathogenic for Renal hypomagnesemia 5 with ocular involvement. Last evaluated: 2024-11-11. Review status: criteria provided, single submitter. Criteria: ACMG Guidelines, 2015. Collection method: clinical testing. Allele origin: germline. Affected: yes.
Comment: The variant is observed at an extremely low frequency in the gnomAD v4.1.0 dataset (total allele frequency: 0.002%). Predicted Consequence/Location: Missense variant In silico tool predictions suggest damaging effect of the variant on gene or gene product [REVEL: 0.89 (>=0.6, sensitivity 0.68 and specificity 0.92)]. The same nucleotide change resulting in the same amino acid change has been previously reported as pathogenic/likely pathogenic with strong evidence (ClinVar ID: VCV000001361 /PMID: 17033971 /3billion dataset). The variant has been reported to be in trans with a pathogenic variant as either compound heterozygous or homozygous in at least 2 similarly affected unrelated individuals (PMID: 17033971, 23301036, 25366522, 25410674, 27530400). Therefore, this variant is classified as Pathogenic according to the recommendation of ACMG/AMP guideline.

Fulgent Genetics
Classification: Pathogenic for Renal hypomagnesemia 5 with ocular involvement. Last evaluated: 2024-06-14. Review status: criteria provided, single submitter. Criteria: ACMG Guidelines, 2015. Collection method: clinical testing. Allele origin: germline.

GeneDx
Classification: Pathogenic. Last evaluated: 2022-10-05. Review status: criteria provided, single submitter. Criteria: GeneDx Variant Classification Process June 2021. Collection method: clinical testing. Allele origin: germline. Affected: yes.
Comment: Published functional studies demonstrate a damaging effect on protein trafficking and/or assembly, impairing its function during renal tubular and retinal epithelial development (Konrad et al., 2006; Wang et al., 2019); In silico analysis supports that this missense variant has a deleterious effect on protein structure/function; This variant is associated with the following publications: (PMID: 31589614, 18188451, Xu2017[abstract], 25366522, 30937396, 25317625, 17033971, 27530400, 22422540, 34425238, 31694170, 33532864, 25410674)

Molecular Biology Laboratory, Fundació Puigvert
Classification: Likely pathogenic for Renal hypomagnesemia 5 with ocular involvement. Last evaluated: 2020-02-01. Review status: criteria provided, single submitter. Criteria: ACMG Guidelines, 2015. Collection method: research. Allele origin: inherited. Affected: yes. Study: KidneyPanel_2020.

Neuberg Centre For Genomic Medicine, NCGM
Classification: Pathogenic for Renal hypomagnesemia 5 with ocular involvement. Review status: criteria provided, single submitter. Criteria: ACMG Guidelines, 2015. Collection method: clinical testing. Allele origin: germline. Inheritance: Autosomal recessive inheritance. Affected: yes.

Molecular Genetics Laboratory, Biobizkaia Health Research Institute
Classification: Pathogenic for Renal hypomagnesemia 5 with ocular involvement. Last evaluated: 2024-03-08. Review status: no assertion criteria provided. Collection method: clinical testing. Allele origin: germline. Not counted in ClinVar's aggregate classification.

OMIM
Classification: Pathogenic for HYPOMAGNESEMIA 5, RENAL, WITH OR WITHOUT OCULAR INVOLVEMENT. Last evaluated: 2006-11-01. Review status: no assertion criteria provided. Collection method: literature only. Allele origin: germline. Not counted in ClinVar's aggregate classification.

Literature cited by the submitters: PubMed 17033971 (cited by 3 submitters); PubMed 23301036 (cited by Labcorp Genetics (formerly Invitae), Labcorp and 3billion); PubMed 25366522 (cited by Labcorp Genetics (formerly Invitae), Labcorp and 3billion); PubMed 25410674 (cited by Labcorp Genetics (formerly Invitae), Labcorp and 3billion); PubMed 27530400 (cited by 3 submitters); PubMed 18188451 (cited by Labcorp Genetics (formerly Invitae), Labcorp); PubMed 33532864 (cited by Molecular Biology Laboratory, Fundació Puigvert); PubMed 22422540 (cited by OMIM).

NM_148960.3(CLDN19):c.59G>A (p.Gly20Asp)

Gene: CLDN19 (claudin 19; minus strand). Cytogenetic location: 1p34.2.
Variant type: single nucleotide variant.
Coding change: c.59G>A on transcript NM_148960.3 (MANE Select); coding-DNA position 59, G replaced by A.
Protein change: p.Gly20Asp; replaces glycine 20 with aspartic acid.
Molecular consequence: missense variant.
Genome position (GRCh38, 1-based): chr1:42,740,005, C>T on the plus strand (G>A on the coding strand, the complement: CLDN19 is on the minus strand). VCF-style: chr1-42740005-C-T. GRCh37 (hg19) VCF-style: chr1-43205676-C-T.
Other names: c.59G>A, p.Gly20Asp (NM_001123395.2, NM_001185117.2); short protein forms G20D.
Identifiers: ClinVar variation 1361 (VCV000001361.19), dbSNP rs118203979, ClinGen allele CA114955.